The following is an entry in ClinVar:

NM_001142800.2(EYS):c.2540A>G (p.His847Arg)

Gene: EYS (eyes shut homolog; minus strand). Cytogenetic location: 6q12.
Variant type: single nucleotide variant.
Coding change: c.2540A>G on transcript NM_001142800.2 (MANE Select); coding-DNA position 2540, A replaced by G.
Protein change: p.His847Arg; replaces histidine 847 with arginine.
Molecular consequence: missense variant.
Genome position (GRCh38, 1-based): chr6:64,912,585, T>C on the plus strand (A>G on the coding strand, the complement: EYS is on the minus strand). VCF-style: chr6-64912585-T-C. GRCh37 (hg19) VCF-style: chr6-65622478-T-C.
Other names: c.2540A>G, p.His847Arg (NM_001292009.2); short protein forms H847R.
Identifiers: ClinVar variation 999005 (VCV000999005.6), dbSNP rs1460353199, ClinGen allele CA364786290.

ClinVar aggregate classification (germline): Uncertain significance (1 of 4 stars; one submission).

Allele frequency attached by ClinVar (database versions not stated): gnomAD exomes 0.00001.
gnomAD v4.1: 7 of 1,551,332 alleles (0.00045%); highest among the groups gnomAD compares: Non-Finnish European, 0.00061%; no homozygotes.

Submission:

Labcorp Genetics (formerly Invitae), Labcorp
Classification: Uncertain significance. Last evaluated: 2021-09-01. Review status: criteria provided, single submitter. Criteria: Invitae Variant Classification Sherloc (09022015). Collection method: clinical testing. Allele origin: germline.
Comment: This sequence change replaces histidine with arginine at codon 847 of the EYS protein (p.His847Arg). The histidine residue is moderately conserved and there is a small physicochemical difference between histidine and arginine. This variant is not present in population databases (ExAC no frequency). This variant has not been reported in the literature in individuals affected with EYS-related conditions. Algorithms developed to predict the effect of missense changes on protein structure and function are either unavailable or do not agree on the potential impact of this missense change (SIFT: "Tolerated"; PolyPhen-2: "Possibly Damaging"; Align-GVGD: "Class C0"). In summary, the available evidence is currently insufficient to determine the role of this variant in disease. Therefore, it has been classified as a Variant of Uncertain Significance.